The following is an entry in ClinVar:

NM_001114753.3(ENG):c.715dup (p.Glu239fs)

Gene: ENG (endoglin; minus strand). Cytogenetic location: 9q34.11.
Variant type: Duplication.
Coding change: c.715dup on transcript NM_001114753.3 (MANE Select); coding-DNA position 715, one base duplicated (G; older notation c.715dupG).
Protein change: p.Glu239fs; shifts the reading frame from glutamic acid 239.
Molecular consequence: frameshift variant.
Genome position (GRCh38, 1-based): chr9:127,825,332, C duplicated on the plus strand (G on the coding strand, the reverse complement: ENG is on the minus strand); the first of 2 consecutive C bases (chr9:127,825,332-127,825,333); duplicating either gives the same sequence. VCF-style (leftmost placement, unchanged base first): chr9-127825331-T-TC. GRCh37 (hg19) VCF-style: chr9-130587610-T-TC.
Other names: c.715dupG (NM_000118.3); c.715dup (NM_000118.2); c.714dup, p.Glu239Glyfs (NM_000118.4, NM_001406715.1); c.169dup, p.Glu57fs (NM_001278138.2); short protein forms E57fs, E239fs.
Identifiers: ClinVar variation 407137 (VCV000407137.21), dbSNP rs1554810257, ClinGen allele CA16612595.

ClinVar aggregate classification (germline): Pathogenic. Review status: criteria provided, multiple submitters, no conflicts (2 of 4 stars). 3 submissions from 3 submitters: Pathogenic (3). Last evaluated 2024-10-29.

Conditions:
Hereditary hemorrhagic telangiectasia (HHT). Also called: ORW DISEASE; Osler Weber Rendu syndrome; OSLER-RENDU-WEBER DISEASE; Osler hemorrhagic telangiectasia syndrome. Identifiers: Orphanet 774, MedGen C0039445, MONDO:0019180. Disease mechanism: loss of function.
Cardiovascular phenotype. Identifiers: MedGen CN230736.

Submissions (3):

GeneDx
Classification: Pathogenic. Last evaluated: 2024-10-29. Review status: criteria provided, single submitter. Criteria: GeneDx Variant Classification Process June 2021. Collection method: clinical testing. Allele origin: germline. Affected: yes.
Comment: Frameshift variant predicted to result in protein truncation or nonsense mediated decay in a gene for which loss-of-function is a known mechanism of disease; Not observed at significant frequency in large population cohorts (gnomAD); This variant is associated with the following publications: (PMID: 16752392, 29631995, 16690726, 31727138)

Labcorp Genetics (formerly Invitae), Labcorp
Classification: Pathogenic for Hereditary hemorrhagic telangiectasia. Last evaluated: 2023-08-16. Review status: criteria provided, single submitter. Criteria: Invitae Variant Classification Sherloc (09022015). Collection method: clinical testing. Allele origin: germline.
Comment: This sequence change creates a premature translational stop signal (p.Glu239Glyfs*95) in the ENG gene. It is expected to result in an absent or disrupted protein product. Loss-of-function variants in ENG are known to be pathogenic (PMID: 15879500). This variant is not present in population databases (gnomAD no frequency). For these reasons, this variant has been classified as Pathogenic. ClinVar contains an entry for this variant (Variation ID: 407137). This premature translational stop signal has been observed in individual(s) with clinical features of ENG-related conditions (PMID: 16752392).

Ambry Genetics
Classification: Pathogenic for Cardiovascular phenotype. Last evaluated: 2022-02-17. Review status: criteria provided, single submitter. Criteria: Ambry Variant Classification Scheme 2023. Collection method: clinical testing. Allele origin: germline.
Comment: The c.715dupG pathogenic mutation, located in coding exon 6 of the ENG gene, results from a duplication of G at nucleotide position 715, causing a translational frameshift with a predicted alternate stop codon (p.E239Gfs*95). This variant has been reported (also described as c.715_716insG, c.716_717insG) in individuals with hereditary hemorrhagic telangiectasia (HHT) (Bossler AD et al. Hum Mutat, 2006 Jul;27:667-75; Prigoda NL et al. J Med Genet, 2006 Sep;43:722-8; Zhu N et al. Circ Genom Precis Med, 2018 04;11:e001887). This variant is considered to be rare based on population cohorts in the Genome Aggregation Database (gnomAD). In addition to the clinical data presented in the literature, this alteration is expected to result in loss of function by premature protein truncation or nonsense-mediated mRNA decay. As such, this alteration is interpreted as a disease-causing mutation.

Literature cited by the submitters: PubMed 15879500 (cited by Labcorp Genetics (formerly Invitae), Labcorp); PubMed 16752392 (cited by Labcorp Genetics (formerly Invitae), Labcorp and Ambry Genetics); PubMed 16690726 (cited by Ambry Genetics); PubMed 29631995 (cited by Ambry Genetics).